The following is an entry in ClinVar:

NM_001042750.2(STAG2):c.316T>A (p.Tyr106Asn)

Gene: STAG2 (STAG2 cohesin complex component; plus strand). Cytogenetic location: Xq25.
Variant type: single nucleotide variant.
Coding change: c.316T>A on transcript NM_001042750.2 (MANE Select); coding-DNA position 316, T replaced by A.
Protein change: p.Tyr106Asn; replaces tyrosine 106 with asparagine.
Molecular consequence: missense variant.
Genome position (GRCh38, 1-based): chrX:124,037,554, T>A. VCF-style: chrX-124037554-T-A. GRCh37 (hg19) VCF-style: chrX-123171404-T-A.
Other names: c.316T>A, p.Tyr106Asn (NM_001042749.2, NM_001042751.2, NM_001282418.2 and 13 more transcripts); short protein forms Y106N.
Identifiers: ClinVar variation 3368824 (VCV003368824.2).
Genomic context (GRCh38, chrX:124,037,554, plus strand): 5'-GCTAATGATTTTATTTTTTTCCCTCTGCTGTAGTCGGTGGTAGATGATTGGATAGAATCA[T>A]ACAAGCATGACCGAGATATAGCACTTCTTGACCTTATCAACTTTTTTATTCAGTGTTCAG-3'
Protein context (NP_001036215.1, residues 96-116): QSVVDDWIES[Tyr106Asn]KHDRDIALLD

ClinVar aggregate classification (germline): Uncertain significance (1 of 4 stars; one submission).

Submission:

GeneDx
Classification: Uncertain significance. Last evaluated: 2026-05-26. Review status: criteria provided, single submitter. Criteria: GeneDx Variant Classification Process June 2021. Collection method: clinical testing. Allele origin: germline.
Comment: Not observed at significant frequency in large population cohorts (gnomAD); In silico analysis supports that this missense variant has a deleterious effect on protein structure/function; Has not been previously published as pathogenic or benign to our knowledge